The following is an entry in ClinVar:

NM_014000.3(VCL):c.1154C>G (p.Ala385Gly)

Gene: VCL (vinculin; plus strand). Cytogenetic location: 10q22.2.
Variant type: single nucleotide variant.
Coding change: c.1154C>G on transcript NM_014000.3 (MANE Select); coding-DNA position 1154, C replaced by G.
Protein change: p.Ala385Gly; replaces alanine 385 with glycine.
Molecular consequence: missense variant.
Genome position (GRCh38, 1-based): chr10:74,089,327, C>G. VCF-style: chr10-74089327-C-G. GRCh37 (hg19) VCF-style: chr10-75849085-C-G.
Other names: c.1154C>G, p.Ala385Gly (NM_003373.4); short protein forms A385G.
Identifiers: ClinVar variation 3645370 (VCV003645370.2).

ClinVar aggregate classification (germline): Uncertain significance (1 of 4 stars; one submission).

Conditions:
Dilated cardiomyopathy 1W (CMD1W). Identifiers: Orphanet 154, MedGen C1969639, MONDO:0012667, OMIM 611407.

gnomAD v4.1: 1 of 1,613,196 alleles (0.000062%); highest among the groups gnomAD compares: African/African-American, 0.0013%; no homozygotes.

Submission:

Labcorp Genetics (formerly Invitae), Labcorp
Classification: Uncertain significance for Dilated cardiomyopathy 1W. Last evaluated: 2024-03-15. Review status: criteria provided, single submitter. Criteria: Invitae Variant Classification Sherloc (09022015). Collection method: clinical testing. Allele origin: germline.
Comment: This sequence change replaces alanine, which is neutral and non-polar, with glycine, which is neutral and non-polar, at codon 385 of the VCL protein (p.Ala385Gly). This variant is not present in population databases (gnomAD no frequency). This variant has not been reported in the literature in individuals affected with VCL-related conditions. An algorithm developed to predict the effect of missense changes on protein structure and function (PolyPhen-2) suggests that this variant is likely to be tolerated. In summary, the available evidence is currently insufficient to determine the role of this variant in disease. Therefore, it has been classified as a Variant of Uncertain Significance.